The following is an entry in ClinVar:

NM_003482.4(KMT2D):c.11880ACA[4] (p.Gln3965_Phe3966insGln)

Gene: KMT2D (lysine methyltransferase 2D; minus strand). Cytogenetic location: 12q13.12.
Variant type: Microsatellite.
Coding change: c.11880ACA[4] on transcript NM_003482.4 (MANE Select); four copies in a row of the 3-base unit ACA starting at c.11880; the reference has three copies in a row; one copy, 3 bases duplicated.
Protein change: p.Gln3965_Phe3966insGln.
Molecular consequence: inframe insertion. On other transcripts: inframe indel (2).
Genome position (GRCh38, 1-based): chr12:49,032,817-49,032,819, TGT duplicated on the plus strand (ACA on the coding strand, the reverse complement: KMT2D is on the minus strand); duplicating any 3 consecutive bases within chr12:49,032,817-49,032,827 gives the same sequence; the position shown is the placement nearest the transcript's 3' end. VCF-style (leftmost placement, unchanged base first): chr12-49032816-C-CTGT. GRCh37 (hg19) VCF-style: chr12-49426599-C-CTGT.
Other names: c.11878_11880CAA[4], p.Gln3965_Phe3966insGln (NM_003482.3); c.11886_11888dupACA (NM_003482.3).
Identifiers: ClinVar variation 2634635 (VCV002634635.1), dbSNP rs780886030, ClinGen allele CA605233603.

ClinVar aggregate classification (germline): Uncertain significance (1 of 4 stars; one submission).

Conditions:
KMT2D-related disorder. Also called: KMT2D-Related Disorders.

Submission:

PreventionGenetics, part of Exact Sciences
Classification: Uncertain significance for KMT2D-related condition. Last evaluated: 2023-01-05. Review status: criteria provided, single submitter. Criteria: ACMG Guidelines, 2015. Collection method: clinical testing. Allele origin: germline.
Comment: The KMT2D c.11886_11888dupACA variant is predicted to result in an in-frame duplication (p.Gln3965dup). To our knowledge, this variant has not been reported in the literature. This variant is reported in 0.023% of alleles in individuals of African descent in gnomAD. At this time, the clinical significance of this variant is uncertain due to the absence of conclusive functional and genetic evidence.